The following is an entry in ClinVar:

NM_000180.4(GUCY2D):c.613C>T (p.Leu205Phe)

Gene: GUCY2D (guanylate cyclase 2D, retinal; plus strand). Cytogenetic location: 17p13.1.
Variant type: single nucleotide variant.
Coding change: c.613C>T on transcript NM_000180.4 (MANE Select); coding-DNA position 613, C replaced by T.
Protein change: p.Leu205Phe; replaces leucine 205 with phenylalanine.
Molecular consequence: missense variant.
Genome position (GRCh38, 1-based): chr17:8,003,660, C>T. VCF-style: chr17-8003660-C-T. GRCh37 (hg19) VCF-style: chr17-7906978-C-T.
Other names: short protein forms L205F.
Identifiers: ClinVar variation 965901 (VCV000965901.11), dbSNP rs764280512, ClinGen allele CA8365519.

ClinVar aggregate classification (germline): Uncertain significance. Review status: criteria provided, multiple submitters, no conflicts (2 of 4 stars). 3 submissions from 3 submitters: Uncertain significance (3). Last evaluated 2026-09-16.

Conditions:
GUCY2D-related disorder. Also called: GUCY2D-related condition.
Cone-rod dystrophy 6 (CORD6). Also called: RETINAL CONE DYSTROPHY 2; Cone dystrophy progressive. Identifiers: Orphanet 1872, MedGen C1866293, MONDO:0011143, OMIM 601777.
Leber congenital amaurosis 1 (LCA1). Also called: RETINAL BLINDNESS, CONGENITAL; AMAUROSIS CONGENITA OF LEBER I; Congenital absence of the rods and cones; Leber's congenital tapetoretinal degeneration; Leber's congenital tapetoretinal dysplasia. Identifiers: Orphanet 65, MedGen C2931258, MONDO:0008764, OMIM 204000.

Allele frequency attached by ClinVar (database versions not stated): gnomAD exomes 0.00001 and 0.00002; gnomAD 0.00003; ExAC 0.00004; TOPMed 0.00007.
gnomAD v4.1: 22 of 1,595,500 alleles (0.0014%); highest among the groups gnomAD compares: African/African-American, 0.024%; no homozygotes.

Submissions (3):

PreventionGenetics, part of Exact Sciences
Classification: Uncertain significance for GUCY2D-related condition. Last evaluated: 2026-09-16. Review status: criteria provided, single submitter. Criteria: ACMG Guidelines, 2015. Collection method: clinical testing. Allele origin: germline.
Comment: The GUCY2D c.613C>T variant is predicted to result in the amino acid substitution p.Leu205Phe. To our knowledge, this variant has not been reported in the literature. This variant is reported in 0.019% of alleles in individuals of African descent in gnomAD. At this time, the clinical significance of this variant is uncertain due to the absence of conclusive functional and genetic evidence.

Labcorp Genetics (formerly Invitae), Labcorp
Classification: Uncertain significance for Leber congenital amaurosis 1; Cone-rod dystrophy 6. Last evaluated: 2024-07-23. Review status: criteria provided, single submitter. Criteria: Invitae Variant Classification Sherloc (09022015). Collection method: clinical testing. Allele origin: germline.
Comment: This sequence change replaces leucine, which is neutral and non-polar, with phenylalanine, which is neutral and non-polar, at codon 205 of the GUCY2D protein (p.Leu205Phe). This variant is present in population databases (rs764280512, gnomAD 0.02%). This variant has not been reported in the literature in individuals affected with GUCY2D-related conditions. ClinVar contains an entry for this variant (Variation ID: 965901). Advanced modeling of protein sequence and biophysical properties (such as structural, functional, and spatial information, amino acid conservation, physicochemical variation, residue mobility, and thermodynamic stability) performed at Invitae indicates that this missense variant is not expected to disrupt GUCY2D protein function with a negative predictive value of 80%. In summary, the available evidence is currently insufficient to determine the role of this variant in disease. Therefore, it has been classified as a Variant of Uncertain Significance.

Blueprint Genetics
Classification: Uncertain significance. Last evaluated: 2022-11-03. Review status: criteria provided, single submitter. Criteria: ACMG Guidelines, 2015. Collection method: clinical testing. Allele origin: germline.